The following is an entry in ClinVar:

NM_024589.3(ROGDI):c.103C>T (p.Gln35Ter)

Gene: ROGDI (rogdi atypical leucine zipper; minus strand). Cytogenetic location: 16p13.3.
Variant type: single nucleotide variant.
Coding change: c.103C>T on transcript NM_024589.3 (MANE Select); coding-DNA position 103, C replaced by T.
Protein change: p.Gln35Ter; replaces glutamine 35 with a stop codon.
Molecular consequence: nonsense. On other transcripts: non-coding transcript variant (1).
Genome position (GRCh38, 1-based): chr16:4,802,396, G>A on the plus strand (C>T on the coding strand, the complement: ROGDI is on the minus strand). VCF-style: chr16-4802396-G-A. GRCh37 (hg19) VCF-style: chr16-4852397-G-A.
Other names: short protein forms Q35*.
Identifiers: ClinVar variation 1418819 (VCV001418819.6), dbSNP rs2082742684, ClinGen allele CA394656550.

ClinVar aggregate classification (germline): Pathogenic (1 of 4 stars; one submission).

Conditions:
Amelocerebrohypohidrotic syndrome (KTZS). Also called: EPILEPSY AND YELLOW TEETH; EPILEPSY, DEMENTIA, AND AMELOGENESIS IMPERFECTA; KOHLSCHUTTER SYNDROME; Kohlschutter's syndrome. Identifiers: Orphanet 1946, MedGen C0406740, MONDO:0009185, OMIM 226750.

Submission:

Labcorp Genetics (formerly Invitae), Labcorp
Classification: Pathogenic for Amelocerebrohypohidrotic syndrome. Last evaluated: 2021-03-22. Review status: criteria provided, single submitter. Criteria: Invitae Variant Classification Sherloc (09022015). Collection method: clinical testing. Allele origin: germline.
Comment: For these reasons, this variant has been classified as Pathogenic. This variant has not been reported in the literature in individuals with ROGDI-related conditions. The frequency data for this variant in the population databases is considered unreliable, as metrics indicate insufficient coverage at this position in the ExAC database. This sequence change creates a premature translational stop signal (p.Gln35*) in the ROGDI gene. It is expected to result in an absent or disrupted protein product. Loss-of-function variants in ROGDI are known to be pathogenic (PMID: 22424600, 23086778).

Literature cited by the submitters: PubMed 22424600; PubMed 23086778.